The following is an entry in ClinVar:

NM_001099922.3(ALG13):c.62C>G (p.Ser21Trp)

Gene: ALG13 (ALG13 UDP-N-acetylglucosaminyltransferase subunit; plus strand). Cytogenetic location: Xq23.
Variant type: single nucleotide variant.
Coding change: c.62C>G on transcript NM_001099922.3 (MANE Select); coding-DNA position 62, C replaced by G.
Protein change: p.Ser21Trp; replaces serine 21 with tryptophan.
Molecular consequence: missense variant. On other transcripts: 5 prime UTR variant (9), non-coding transcript variant (3).
Genome position (GRCh38, 1-based): chrX:111,681,280, C>G. VCF-style: chrX-111681280-C-G. GRCh37 (hg19) VCF-style: chrX-110924508-C-G.
Other names: c.-239C>G (NM_001257241.3, NM_001257231.2); c.62C>G, p.Ser21Trp (NM_001324290.2, NM_001324292.2, NM_018466.6 and 2 more transcripts); c.-147C>G (NM_001324291.2, NM_001257230.2); c.-376C>G (NM_001324293.1, NM_001257237.2, NM_001257240.3); c.-272C>G (NM_001257234.2, NM_001257235.3); short protein forms S21W.
Identifiers: ClinVar variation 1963721 (VCV001963721.5), dbSNP rs1602457991, ClinGen allele CA414248070.

ClinVar aggregate classification (germline): Uncertain significance (1 of 4 stars; one submission).

Conditions:
Developmental and epileptic encephalopathy, 36 (DEE36). Also called: ALG13-CDG; Epileptic encephalopathy, early infantile, 36; Congenital disorder of glycosylation, type Is. Identifiers: Orphanet 324422, MedGen C4317295, MONDO:0010472, OMIM 300884.

Submission:

Labcorp Genetics (formerly Invitae), Labcorp
Classification: Uncertain significance for Developmental and epileptic encephalopathy, 36. Last evaluated: 2023-07-10. Review status: criteria provided, single submitter. Criteria: Invitae Variant Classification Sherloc (09022015). Collection method: clinical testing. Allele origin: germline.
Comment: An algorithm developed to predict the effect of missense changes on protein structure and function (PolyPhen-2) suggests that this variant is likely to be disruptive. In summary, the available evidence is currently insufficient to determine the role of this variant in disease. Therefore, it has been classified as a Variant of Uncertain Significance. ClinVar contains an entry for this variant (Variation ID: 1963721). This variant has not been reported in the literature in individuals affected with ALG13-related conditions. This variant is not present in population databases (gnomAD no frequency). This sequence change replaces serine, which is neutral and polar, with tryptophan, which is neutral and slightly polar, at codon 21 of the ALG13 protein (p.Ser21Trp).